The following is an entry in ClinVar:

ClinVar aggregate classification (germline): Uncertain significance (1 of 4 stars; one submission).

Allele frequency attached by ClinVar (database versions not stated): TOPMed below 0.00001.

Submission:

Labcorp Genetics (formerly Invitae), Labcorp
Classification: Uncertain significance. Last evaluated: 2023-07-29. Review status: criteria provided, single submitter. Criteria: Invitae Variant Classification Sherloc (09022015). Collection method: clinical testing. Allele origin: germline.
Comment: In summary, the available evidence is currently insufficient to determine the role of this variant in disease. Therefore, it has been classified as a Variant of Uncertain Significance. An algorithm developed to predict the effect of missense changes on protein structure and function (PolyPhen-2) suggests that this variant is likely to be tolerated. This variant has not been reported in the literature in individuals affected with ATR-related conditions. This variant is present in population databases (rs769591527, gnomAD 0.007%). This sequence change replaces alanine, which is neutral and non-polar, with glycine, which is neutral and non-polar, at codon 501 of the ATR protein (p.Ala501Gly).

NM_001184.4(ATR):c.1502C>G (p.Ala501Gly)

Gene: ATR (ATR checkpoint kinase; minus strand). Cytogenetic location: 3q23.
Variant type: single nucleotide variant.
Coding change: c.1502C>G on transcript NM_001184.4 (MANE Select); coding-DNA position 1502, C replaced by G.
Protein change: p.Ala501Gly; replaces alanine 501 with glycine.
Molecular consequence: missense variant. On other transcripts: intron variant (1).
Genome position (GRCh38, 1-based): chr3:142,560,302, G>C on the plus strand (C>G on the coding strand, the complement: ATR is on the minus strand). VCF-style: chr3-142560302-G-C. GRCh37 (hg19) VCF-style: chr3-142279144-G-C.
Other names: c.1350-861C>G (NM_001354579.2); short protein forms A501G.
Identifiers: ClinVar variation 2722960 (VCV002722960.3), dbSNP rs769591527, ClinGen allele CA2650585.